The following is an entry in ClinVar:

ClinVar aggregate classification (germline): Likely pathogenic (1 of 4 stars; one submission).

Conditions:
Cardiovascular phenotype. Identifiers: MedGen CN230736.

Submission:

Ambry Genetics
Classification: Likely pathogenic for Cardiovascular phenotype. Last evaluated: 2022-12-12. Review status: criteria provided, single submitter. Criteria: Ambry Variant Classification Scheme 2023. Collection method: clinical testing. Allele origin: germline.
Comment: The c.71433delT variant, located in coding exon 179 of the TTN gene, results from a deletion of one nucleotide at nucleotide position 71433, causing a translational frameshift with a predicted alternate stop codon (p.F23811Lfs*3). This exon is located in the A-band region of the N2-B isoform of the titin protein and is constitutively expressed in TTN transcripts (percent spliced in or PSI 100%). This variant is considered to be rare based on population cohorts in the Genome Aggregation Database (gnomAD). This alteration is expected to result in loss of function by premature protein truncation or nonsense-mediated mRNA decay. While truncating variants in TTN are present in 1-3% of the general population, truncating variants in the A-band are the most common cause of dilated cardiomyopathy (DCM) (Herman DS et al. N. Engl. J. Med., 2012 Feb;366:619-28; Roberts AM et al. Sci Transl Med, 2015 Jan;7:270ra6). TTN truncating variants encoded in constitutive exons (PSI >90%) have been found to be significantly associated with DCM regardless of their position in titin (Schafer S et al. Nat. Genet., 2017 01;49:46-53). Based on the majority of available evidence to date, this variant is likely to be pathogenic.

NM_001267550.2(TTN):c.98628del (p.Phe32876fs)

Genes: TTN (titin; minus strand), TTN-AS1 (TTN antisense RNA 1; plus strand). Cytogenetic location: 2q31.2.
Variant type: Deletion.
Coding change: c.98628del on transcript NM_001267550.2 (MANE Select); coding-DNA position 98628, one base deleted (T; older notation c.98628delT).
Protein change: p.Phe32876fs; shifts the reading frame from phenylalanine 32876.
Molecular consequence: frameshift variant. On other transcripts: non-coding transcript variant (1).
Genome position (GRCh38, 1-based): chr2:178,539,437, A deleted on the plus strand (T on the coding strand, the reverse complement: TTN is on the minus strand); the first of 3 consecutive A bases (chr2:178,539,437-178,539,439); deleting any one gives the same sequence. VCF-style (leftmost placement, unchanged base first): chr2-178539436-CA-C. GRCh37 (hg19) VCF-style: chr2-179404163-CA-C.
Other names: c.93705del, p.Phe31235fs (NM_001256850.1); c.71433del, p.Phe23811fs (NM_003319.4); c.90924del, p.Phe30308fs (NM_133378.4); c.71808del, p.Phe23936fs (NM_133432.3); c.72009del, p.Phe24003fs (NM_133437.4); c.71433delT (NM_003319.4); short protein forms F23811fs, F23936fs, F24003fs, F30308fs, F31235fs, F32876fs.
Identifiers: ClinVar variation 2451869 (VCV002451869.2), dbSNP rs2468765145, ClinGen allele CA2580064713.